The following is an entry in ClinVar:

ClinVar aggregate classification (germline): Uncertain significance (1 of 4 stars; one submission).

Conditions:
Neuronal ceroid lipofuscinosis. Also called: Neuronal Ceroid Lipofuscinoses. Identifiers: Orphanet 216, Orphanet 79263, MedGen C0027877, MONDO:0016295. Disease mechanism: loss of function.

Allele frequency attached by ClinVar (database versions not stated): TOPMed 0.00001.

Submission:

Labcorp Genetics (formerly Invitae), Labcorp
Classification: Uncertain significance for Neuronal ceroid lipofuscinosis. Last evaluated: 2024-02-17. Review status: criteria provided, single submitter. Criteria: Invitae Variant Classification Sherloc (09022015). Collection method: clinical testing. Allele origin: germline.
Comment: This sequence change replaces arginine, which is basic and polar, with tryptophan, which is neutral and slightly polar, at codon 28 of the CLN6 protein (p.Arg28Trp). This variant is not present in population databases (gnomAD no frequency). This variant has not been reported in the literature in individuals affected with CLN6-related conditions. ClinVar contains an entry for this variant (Variation ID: 1037032). An algorithm developed to predict the effect of missense changes on protein structure and function (PolyPhen-2) suggests that this variant is likely to be disruptive. Algorithms developed to predict the effect of sequence changes on RNA splicing suggest that this variant may disrupt the consensus splice site. In summary, the available evidence is currently insufficient to determine the role of this variant in disease. Therefore, it has been classified as a Variant of Uncertain Significance.

NM_017882.3(CLN6):c.82A>T (p.Arg28Trp)

Gene: CLN6 (CLN6 transmembrane ER protein; minus strand). Cytogenetic location: 15q23.
Variant type: single nucleotide variant.
Coding change: c.82A>T on transcript NM_017882.3 (MANE Select); coding-DNA position 82, A replaced by T.
Protein change: p.Arg28Trp; replaces arginine 28 with tryptophan.
Molecular consequence: missense variant.
Genome position (GRCh38, 1-based): chr15:68,229,503, T>A on the plus strand (A>T on the coding strand, the complement: CLN6 is on the minus strand). VCF-style: chr15-68229503-T-A. GRCh37 (hg19) VCF-style: chr15-68521841-T-A.
Other names: short protein forms R28W.
Identifiers: ClinVar variation 1037032 (VCV001037032.6), dbSNP rs2093262448, ClinGen allele CA392978056.
Genomic context (GRCh38, chr15:68,229,503, plus strand): 5'-GTCCCGAGGCCCCAGCGCACAGGCGCCTAGCCCGCCCTCTCACCCCGGCGCGCGCCCACC[T>A]GGCCTGCAGGAAGGAGGCGCCCAGCTGCGCGCCTGGGCCGCCCGTCGCTCCCAGGTGCTG-3'
Protein context (NP_060352.1, residues 18-38): AQLGASFLQA[Arg28Trp]HGSVSADEAA